The following is an entry in ClinVar:

ClinVar aggregate classification (germline): Likely benign (1 of 4 stars; one submission).

Submission:

CeGaT Center for Human Genetics Tuebingen
Classification: Likely benign. Last evaluated: 2024-12-01. Review status: criteria provided, single submitter. Criteria: CeGaT Center For Human Genetics Tuebingen Variant Classification Criteria Version 2. Collection method: clinical testing. Allele origin: germline. Affected: yes. Observed: 2 variant alleles.
Comment: SHANK3: BP4, BP7

NM_001372044.2(SHANK3):c.5136C>G (p.Pro1712=)

Gene: SHANK3 (SH3 and multiple ankyrin repeat domains 3; plus strand). Cytogenetic location: 22q13.33.
Variant type: single nucleotide variant.
Coding change: c.5136C>G on transcript NM_001372044.2 (MANE Select); coding-DNA position 5136, C replaced by G.
Protein change: p.Pro1712=; no amino-acid change (proline 1712 retained).
Molecular consequence: synonymous variant.
Genome position (GRCh38, 1-based): chr22:50,731,027, C>G. VCF-style: chr22-50731027-C-G. GRCh37 (hg19) VCF-style: chr22-51169455-C-G.
Other names: c.4911C>G, p.Pro1637= (NM_033517.1).
Identifiers: ClinVar variation 2653432 (VCV002653432.24), dbSNP rs924881807, ClinGen allele CA325591079.